The following is an entry in ClinVar:

ClinVar aggregate classification (germline): Conflicting classifications of pathogenicity. Review status: criteria provided, conflicting classifications (1 of 4 stars). 6 submissions from 6 submitters: Uncertain significance (5); Likely benign (1). Last evaluated 2026-01-19.

Conditions:
Hereditary cancer-predisposing syndrome. Also called: Hereditary neoplastic syndrome; Tumor predisposition; Neoplastic Syndromes, Hereditary; Hereditary Cancer Syndrome. Identifiers: Orphanet 140162, MedGen C0027672, MeSH D009386, MONDO:0015356.
Hereditary breast ovarian cancer syndrome. Also called: Hereditary breast and ovarian cancer; Hereditary breast and/or ovarian cancer syndrome; Hereditary breast and ovarian cancer syndrome; Hereditary breast and ovarian cancer syndrome (HBOC); Breast and ovarian cancer; BRCA1- and BRCA2-Associated Hereditary Breast and Ovarian Cancer. Identifiers: Orphanet 145, MedGen C0677776, MeSH D061325, MONDO:0003582. Disease mechanism: loss of function.

Submissions (6):

Labcorp Genetics (formerly Invitae), Labcorp
Classification: Uncertain significance for Hereditary breast ovarian cancer syndrome. Last evaluated: 2026-01-19. Review status: criteria provided, single submitter. Criteria: Invitae Variant Classification Sherloc (09022015). Collection method: clinical testing. Allele origin: germline.
Comment: This sequence change replaces serine, which is neutral and polar, with alanine, which is neutral and non-polar, at codon 2172 of the BRCA2 protein (p.Ser2172Ala). Information on the frequency of this variant in the gnomAD database is not available, as this variant may be reported differently in the database. This variant has not been reported in the literature in individuals affected with BRCA2-related conditions. ClinVar contains an entry for this variant (Variation ID: 419761). An algorithm developed to predict the effect of missense changes on protein structure and function outputs the following: PolyPhen-2: "Not Available". The alanine amino acid residue is found in multiple mammalian species, which suggests that this missense change does not adversely affect protein function. In summary, the available evidence is currently insufficient to determine the role of this variant in disease. Therefore, it has been classified as a Variant of Uncertain Significance.

Color Diagnostics, LLC DBA Color Health
Classification: Uncertain significance for Hereditary cancer-predisposing syndrome. Last evaluated: 2025-11-03. Review status: criteria provided, single submitter. Criteria: ACMG Guidelines, 2015. Collection method: clinical testing. Allele origin: germline.
Comment: This missense variant replaces serine with alanine at codon 2172 of the BRCA2 protein. Computational prediction suggests that this variant may not impact protein structure and function. Splice site prediction tools suggest that this variant may not impact RNA splicing. To our knowledge, functional studies have not been performed for this variant. This variant has not been reported in individuals affected with hereditary cancer in the literature. This variant has not been identified in the general population by the Genome Aggregation Database (gnomAD). The available evidence is insufficient to determine the role of this variant in disease conclusively. Therefore, this variant is classified as a Variant of Uncertain Significance.

Ambry Genetics
Classification: Uncertain significance for Hereditary cancer-predisposing syndrome. Last evaluated: 2025-02-26. Review status: criteria provided, single submitter. Criteria: Ambry Variant Classification Scheme 2023. Collection method: clinical testing. Allele origin: germline.
Comment: The c.6513_6514delGTinsCG variant (also known as p.S2172A), located in coding exon 10 of the BRCA2 gene, results from an in-frame deletion of GT and insertion of CG at nucleotide positions 6513 to 6514. This results in the substitution of the serine residue for an alanine residue at codon 2172, an amino acid with similar properties. This amino acid position is not well conserved in available vertebrate species. In addition, this alteration is predicted to be neutral by in silico analysis (Choi Y et al. PLoS ONE. 2012; 7(10):e46688). Based on the available evidence, the clinical significance of this variant remains unclear.

University of Washington Department of Laboratory Medicine, University of Washington
Classification: Likely benign for Hereditary cancer-predisposing syndrome. Last evaluated: 2023-03-23. Review status: criteria provided, single submitter. Criteria: Dines et al. (Genet Med. 2020). Collection method: curation. Allele origin: germline.
Comment: Missense variant in a coldspot region where missense variants are very unlikely to be pathogenic (PMID:31911673).

BRCA2 exon 11 coldspot. Reclassification based on statistical prior probability.

GeneDx
Classification: Uncertain significance. Last evaluated: 2019-04-15. Review status: criteria provided, single submitter. Criteria: GeneDx Variant Classification Process June 2021. Collection method: clinical testing. Allele origin: germline. Affected: yes.
Comment: Not observed in large population cohorts (Lek et al., 2016)

Women's Health and Genetics/Laboratory Corporation of America, LabCorp
Classification: Uncertain significance. Last evaluated: 2018-02-19. Review status: criteria provided, single submitter. Criteria: LabCorp Variant Classification Summary - May 2015. Collection method: clinical testing. Allele origin: germline.
Comment: Variant summary: The BRCA2 c.6513_6514delinsCG (p.Ser2172Ala) variant involves the alteration of a dinucleotide non-conserved sequence (GT>CG). Five out of five in silico analyses predict a benign outcome. However, these predictions have yet to be functionally assessed. This variant was not observed in 263870 control chromosomes (gnomAD). The variant of interest has not, to our knowledge, been reported in affected individuals via publications. Multiple ClinVar submissions from clinical diagnostic laboratories (evaluation after 2014) classify the variant as "uncertain significance." Note, the single nucleotide change, c.6514T>G, causes the same missense change and has been reported by a clinical diagnostic laboratory (ClinVar submission) and a reputable database as "uncertain significance." Based on the available evidence, the variant of interest has been classified as a "Variant of Uncertain Significance (VUS)," until additional information becomes available.

NM_000059.4(BRCA2):c.6513_6514delinsCG (p.Ser2172Ala)

Gene: BRCA2 (BRCA2 DNA repair associated; plus strand). Cytogenetic location: 13q13.1.
Variant type: Indel.
Coding change: c.6513_6514delinsCG on transcript NM_000059.4 (MANE Select); coding-DNA positions 6513 to 6514, GT replaced by CG.
Protein change: p.Ser2172Ala; replaces serine 2172 with alanine.
Molecular consequence: missense variant.
Genome position (GRCh38, 1-based): chr13:32,340,868-32,340,869, GT replaced by CG. VCF-style: chr13-32340868-GT-CG. GRCh37 (hg19) VCF-style: chr13-32915005-GT-CG.
Other names: c.6513_6514delGTinsCG (NM_000059.3); short protein forms S2172A.
Identifiers: ClinVar variation 419761 (VCV000419761.23), dbSNP rs1064794089, ClinGen allele CA16619749.
Genomic context (GRCh38, chr13:32,340,868, plus strand): 5'-TTCTCCATATCTCTCTCAATTTCAACAAGACAAACAACAGTTGGTATTAGGAACCAAAGT[GT>CG]CACTTGTTGAGAACATTCATGTTTTGGGAAAAGAACAGGCTTCACCTAAAAACGTAAAAA-3'
Protein context (NP_000050.3, residues 2162-2182): KQQLVLGTKV[Ser2172Ala]LVENIHVLGK